The following is an entry in ClinVar:

ClinVar aggregate classification (germline): Conflicting classifications of pathogenicity. Review status: criteria provided, conflicting classifications (1 of 4 stars). 2 submissions from 2 submitters: Likely pathogenic (1); Uncertain significance (1). Last evaluated 2020-03-02.

Conditions:
Developmental and epileptic encephalopathy, 9 (DEE9). Also called: EPILEPSY, FEMALE-RESTRICTED, WITH MENTAL RETARDATION; Early infantile epileptic encephalopathy 9; JUBERG-HELLMAN SYNDROME; PCDH19-Related X-Linked Female-Limited Epilepsy with Mental Retardation. Identifiers: Orphanet 101039, Orphanet 2076, MedGen C1848137, MONDO:0010246, OMIM 300088. Disease mechanism: loss of function.

Submissions (2):

Labcorp Genetics (formerly Invitae), Labcorp
Classification: Uncertain significance for Developmental and epileptic encephalopathy, 9. Last evaluated: 2020-03-02. Review status: criteria provided, single submitter. Criteria: Invitae Variant Classification Sherloc (09022015). Collection method: clinical testing. Allele origin: germline.
Comment: This sequence change replaces arginine with glycine at codon 625 of the PCDH19 protein (p.Arg625Gly). The arginine residue is highly conserved and there is a moderate physicochemical difference between arginine and glycine. This variant is not present in population databases (ExAC no frequency). In summary, the available evidence is currently insufficient to determine the role of this variant in disease. Therefore, it has been classified as a Variant of Uncertain Significance. Algorithms developed to predict the effect of missense changes on protein structure and function (SIFT, PolyPhen-2, Align-GVGD) all suggest that this variant is likely to be disruptive, but these predictions have not been confirmed by published functional studies and their clinical significance is uncertain. This variant has been observed in individual(s) with clinical features of early infantile epileptic encephalopathy (PMID: 29377098, 28837158). ClinVar contains an entry for this variant (Variation ID: 206340).

GeneDx
Classification: Likely pathogenic. Last evaluated: 2017-06-09. Review status: criteria provided, single submitter. Criteria: GeneDx Variant Classification (06012015). Collection method: clinical testing. Allele origin: germline. Affected: yes.
Comment: The R625G variant has not been published as a pathogenic variant, nor has it been reported as a benign polymorphism to our knowledge. It was not observed in approximately 6,500 individuals of European and African American ancestry in the NHLBI Exome Sequencing Project, indicating it is not a common benign variant in these populations. The R625G variant is a non-conservative amino acid substitution, which is likely to impact secondary protein structure as these residues differ in polarity, charge, size and/or other properties. This substitution occurs at a position that is conserved across species in the extracellular domain of the PCDH19 protein. Other nearby variants have been reported in association with epilepsy, supporting the functional importance of this region of the protein. In addition, in silico analysis predicts this variant is probably damaging to the protein structure/function. Based on currently available evidence, R625G is a strong candidate for a pathogenic variant. However, the possibility it is a rare benign variant cannot be excluded.

Literature cited by the submitters: PubMed 29377098 (cited by Labcorp Genetics (formerly Invitae), Labcorp); PubMed 28837158 (cited by Labcorp Genetics (formerly Invitae), Labcorp).

NM_001184880.2(PCDH19):c.1873A>G (p.Arg625Gly)

Gene: PCDH19 (protocadherin 19; minus strand). Cytogenetic location: Xq22.1.
Variant type: single nucleotide variant.
Coding change: c.1873A>G on transcript NM_001184880.2 (MANE Select); coding-DNA position 1873, A replaced by G.
Protein change: p.Arg625Gly; replaces arginine 625 with glycine.
Molecular consequence: missense variant.
Genome position (GRCh38, 1-based): chrX:100,406,725, T>C on the plus strand (A>G on the coding strand, the complement: PCDH19 is on the minus strand). VCF-style: chrX-100406725-T-C. GRCh37 (hg19) VCF-style: chrX-99661723-T-C.
Other names: p.R625G:AGA>GGA; c.1873A>G, p.Arg625Gly (NM_001105243.2, NM_020766.3); short protein forms R625G.
Identifiers: ClinVar variation 206340 (VCV000206340.11), dbSNP rs796052822, ClinGen allele CA316374.